The following is an entry in ClinVar:

NM_018668.5(VPS33B):c.1396A>C (p.Lys466Gln)

Gene: VPS33B (VPS33B late endosome and lysosome associated; minus strand). Cytogenetic location: 15q26.1.
Variant type: single nucleotide variant.
Coding change: c.1396A>C on transcript NM_018668.5 (MANE Select); coding-DNA position 1396, A replaced by C.
Protein change: p.Lys466Gln; replaces lysine 466 with glutamine.
Molecular consequence: missense variant.
Genome position (GRCh38, 1-based): chr15:91,002,059, T>G on the plus strand (A>C on the coding strand, the complement: VPS33B is on the minus strand). VCF-style: chr15-91002059-T-G. GRCh37 (hg19) VCF-style: chr15-91545289-T-G.
Other names: c.1315A>C, p.Lys439Gln (NM_001289148.1); c.1123A>C, p.Lys375Gln (NM_001289149.1); short protein forms K439Q, K466Q, K375Q.
Identifiers: ClinVar variation 4728440 (VCV004728440.1).

ClinVar aggregate classification (germline): Uncertain significance (1 of 4 stars; one submission).

gnomAD v4.1: 1 of 1,613,998 alleles (0.000062%); highest among the groups gnomAD compares: Non-Finnish European, 0.000085%; no homozygotes.

Submission:

Labcorp Genetics (formerly Invitae), Labcorp
Classification: Uncertain significance. Last evaluated: 2025-10-04. Review status: criteria provided, single submitter. Criteria: Invitae Variant Classification Sherloc (09022015). Collection method: clinical testing. Allele origin: germline.
Comment: This sequence change replaces lysine, which is basic and polar, with glutamine, which is neutral and polar, at codon 466 of the VPS33B protein (p.Lys466Gln). This variant is not present in population databases (gnomAD no frequency). This variant has not been reported in the literature in individuals affected with VPS33B-related conditions. An algorithm developed to predict the effect of missense changes on protein structure and function (PolyPhen-2) suggests that this variant is likely to be disruptive. In summary, the available evidence is currently insufficient to determine the role of this variant in disease. Therefore, it has been classified as a Variant of Uncertain Significance.